The following is an entry in ClinVar:

ClinVar aggregate classification (germline): Uncertain significance. Review status: criteria provided, multiple submitters, no conflicts (2 of 4 stars). 4 submissions from 4 submitters: Uncertain significance (4). Last evaluated 2025-06-20.

Conditions:
Cardiovascular phenotype. Identifiers: MedGen CN230736.
Lethal congenital glycogen storage disease of heart. Also called: GLYCOGEN STORAGE DISEASE OF HEART; PHOSPHORYLASE KINASE DEFICIENCY OF HEART. Identifiers: Orphanet 439854, MedGen C1849813, MONDO:0009867, OMIM 261740.
Cardiomyopathy (CMYO). Also called: Cardiomyopathies. Identifiers: Orphanet 167848, MedGen C0878544, MONDO:0004994, HP:0001638. Inheritance: Various modes of inheritance.

Allele frequency attached by ClinVar (database versions not stated): gnomAD exomes below 0.00001 and 0.00001; gnomAD 0.00001; ExAC 0.00002; TOPMed 0.00002; ESP Exome Variant Server 0.00008.
gnomAD v4.1: 6 of 1,614,020 alleles (0.00037%); highest among the groups gnomAD compares: Admixed American, 0.0017%; no homozygotes.

Submissions (4):

Ambry Genetics
Classification: Uncertain significance for Cardiovascular phenotype. Last evaluated: 2025-06-20. Review status: criteria provided, single submitter. Criteria: Ambry Variant Classification Scheme 2023. Collection method: clinical testing. Allele origin: germline.
Comment: The p.S117F variant (also known as c.350C>T), located in coding exon 3 of the PRKAG2 gene, results from a C to T substitution at nucleotide position 350. The serine at codon 117 is replaced by phenylalanine, an amino acid with highly dissimilar properties. This amino acid position is conserved. In addition, this alteration is predicted to be deleterious by in silico analysis. Based on the available evidence, the clinical significance of this variant remains unclear.

Labcorp Genetics (formerly Invitae), Labcorp
Classification: Uncertain significance for Lethal congenital glycogen storage disease of heart. Last evaluated: 2024-12-12. Review status: criteria provided, single submitter. Criteria: Invitae Variant Classification Sherloc (09022015). Collection method: clinical testing. Allele origin: germline.
Comment: This sequence change replaces serine, which is neutral and polar, with phenylalanine, which is neutral and non-polar, at codon 117 of the PRKAG2 protein (p.Ser117Phe). This variant is present in population databases (rs372433693, gnomAD 0.003%). This variant has not been reported in the literature in individuals affected with PRKAG2-related conditions. ClinVar contains an entry for this variant (Variation ID: 423298). Invitae Evidence Modeling of protein sequence and biophysical properties (such as structural, functional, and spatial information, amino acid conservation, physicochemical variation, residue mobility, and thermodynamic stability) indicates that this missense variant is not expected to disrupt PRKAG2 protein function with a negative predictive value of 95%. In summary, the available evidence is currently insufficient to determine the role of this variant in disease. Therefore, it has been classified as a Variant of Uncertain Significance.

Color Diagnostics, LLC DBA Color Health
Classification: Uncertain significance for Cardiomyopathy. Last evaluated: 2019-10-02. Review status: criteria provided, single submitter. Criteria: ACMG Guidelines, 2015. Collection method: clinical testing. Allele origin: germline.
Comment: This missense variant replaces serine with phenylalanine at codon 117 of the PRKAG2 protein. Computational prediction tool is inconclusive regarding the impact of this variant on protein structure and function (internally defined REVEL score threshold 0.5 < inconclusive < 0.7, PMID: 27666373). Splice site prediction tools suggest that this variant may not impact RNA splicing. To our knowledge, functional studies have not been performed for this variant. This variant has not been reported in individuals affected with cardiovascular disorders in the literature. This variant has been identified in 2/251260 chromosomes in the general population by the Genome Aggregation Database (gnomAD). The available evidence is insufficient to determine the role of this variant in disease conclusively. Therefore, this variant is classified as a Variant of Uncertain Significance.

GeneDx
Classification: Uncertain significance. Last evaluated: 2017-02-13. Review status: criteria provided, single submitter. Criteria: GeneDx Variant Classification (06012015). Collection method: clinical testing. Allele origin: germline. Affected: yes.
Comment: A variant of uncertain significance has been identified in the PRKAG2 gene. The S117F variant has not been published as pathogenic or been reported as benign to our knowledge. This variant is not observed at a significant frequency in large population cohorts (Lek et al., 2016; 1000 Genomes Consortium et al., 2015; Exome Variant Server). The S117F variant is a non-conservative amino acid substitution, which is likely to impact secondary protein structure as these residues differ in polarity, charge, size and/or other properties. This substitution occurs at a position that is conserved across species and in silico analysis suggests that this variant is probably damaging to the protein structure/function. However, this variant lacks observation in a significant number of affected individuals, segregation data, and functional evidence, which would further clarify its pathogenicity.

NM_016203.4(PRKAG2):c.350C>T (p.Ser117Phe)

Gene: PRKAG2 (protein kinase AMP-activated non-catalytic subunit gamma 2; minus strand). Cytogenetic location: 7q36.1.
Variant type: single nucleotide variant.
Coding change: c.350C>T on transcript NM_016203.4 (MANE Select); coding-DNA position 350, C replaced by T.
Protein change: p.Ser117Phe; replaces serine 117 with phenylalanine.
Molecular consequence: missense variant.
Genome position (GRCh38, 1-based): chr7:151,781,268, G>A on the plus strand (C>T on the coding strand, the complement: PRKAG2 is on the minus strand). VCF-style: chr7-151781268-G-A. GRCh37 (hg19) VCF-style: chr7-151478354-G-A.
Other names: c.218C>T, p.Ser73Phe (NM_001040633.2); short protein forms S117F, S73F.
Identifiers: ClinVar variation 423298 (VCV000423298.8), dbSNP rs372433693, ClinGen allele CA056873.
Genomic context (GRCh38, chr7:151,781,268, plus strand): 5'-TTGGGGGAAGACTCTTTGGAGGAGGAGCGGAAGATCCCACTGAAGCTCATGCGTCGAGGG[G>A]AGCGTGGCGGGGACTCCTGGTAGGAGAACGGGAACACGGTTTTGGGAGAGCCGGGGCTGG-3'
Protein context (NP_057287.2, residues 107-127): PFSYQESPPR[Ser117Phe]PRRMSFSGIF